The following is an entry in ClinVar:

ClinVar aggregate classification (germline): Pathogenic/Likely pathogenic. Review status: criteria provided, multiple submitters, no conflicts (2 of 4 stars). 6 submissions from 6 submitters: Pathogenic (2); Likely pathogenic (4). Last evaluated 2026-01-20.

Conditions:
Fanconi anemia complementation group I (FANCI). Also called: FANCI-Related Fanconi Anemia. Identifiers: Orphanet 84, MedGen C1836861, MONDO:0012186, OMIM 609053.
Fanconi anemia (FA). Also called: Fanconi's anemia. Identifiers: Orphanet 84, MedGen C0015625, MeSH D005199, MONDO:0019391.
FANCI-related disorders.

Allele frequency attached by ClinVar (database versions not stated): TOPMed 0.00003; ExAC 0.00007; ESP Exome Variant Server 0.00008; gnomAD 0.00010 and 0.00011; gnomAD exomes 0.00012.
gnomAD v4.1: 194 of 1,613,946 alleles (0.012%); highest among the groups gnomAD compares: Non-Finnish European, 0.0098%; no homozygotes.

Submissions (6):

Variantyx, Inc.
Classification: Likely pathogenic for Fanconi anemia complementation group I. Last evaluated: 2026-01-20. Review status: criteria provided, single submitter. Criteria: Variantyx Assertion Criteria 2022. Collection method: clinical testing. Allele origin: germline. Inheritance: Autosomal recessive inheritance. Affected: yes.
Comment: This is a nonsynonymous variant in the FANCI gene (OMIM: 611360). Pathogenic variants in this gene have been associated with autosomal recessive Fanconi anemia complementation group I. This variant has been identified in the homozygous or compound heterozygous state in at least 4 individuals reported in the published literature (PMID: 22720145, 24989076, 26590883, 32054657) (PM3_Strong). It lies within a known hotspot for pathogenic variants or a well-established critical functional domain of the FANCI protein (PMID: 17412408 ) (PM1) ad multiple computational algorithms predict a deleterious effect for this variant (REVEL score: 0.737) (PP3). This variant has a 0.0098% maximum allele frequency in non-founder control populations (PM2). Based on the current evidence, this variant is classified as likely pathogenic for autosomal recessive Fanconi anemia complementation group I.

Labcorp Genetics (formerly Invitae), Labcorp
Classification: Pathogenic for Fanconi anemia. Last evaluated: 2025-09-21. Review status: criteria provided, single submitter. Criteria: Invitae Variant Classification Sherloc (09022015). Collection method: clinical testing. Allele origin: germline.
Comment: This sequence change replaces cysteine, which is neutral and slightly polar, with tyrosine, which is neutral and polar, at codon 1014 of the FANCI protein (p.Cys1014Tyr). This variant is present in population databases (rs140404896, gnomAD 0.09%). This missense change has been observed in individual(s) with bone marrow failure and/or Fanconi anemia (PMID: 22720145, 24989076, 26590883, 32054657). In at least one individual the data is consistent with being in trans (on the opposite chromosome) from a pathogenic variant. ClinVar contains an entry for this variant (Variation ID: 631744). Invitae Evidence Modeling of protein sequence and biophysical properties (such as structural, functional, and spatial information, amino acid conservation, physicochemical variation, residue mobility, and thermodynamic stability) indicates that this missense variant is expected to disrupt FANCI protein function with a positive predictive value of 80%. For these reasons, this variant has been classified as Pathogenic.

Blueprint Genetics
Classification: Likely pathogenic for FANCI-related disorders. Last evaluated: 2024-08-05. Review status: criteria provided, single submitter. Criteria: ACMG Guidelines, 2015. Collection method: clinical testing. Allele origin: germline. Affected: yes. Observed: 5 variant alleles.

Fulgent Genetics
Classification: Likely pathogenic for Fanconi anemia complementation group I. Last evaluated: 2024-04-17. Review status: criteria provided, single submitter. Criteria: ACMG Guidelines, 2015. Collection method: clinical testing. Allele origin: germline.

Baylor Genetics
Classification: Pathogenic for Fanconi anemia complementation group I. Last evaluated: 2024-03-14. Review status: criteria provided, single submitter. Criteria: ACMG Guidelines, 2015. Collection method: clinical testing. Allele origin: unknown.

Illumina Laboratory Services, Illumina
Classification: Likely pathogenic for Fanconi anemia complementation group I. Last evaluated: 2017-09-06. Review status: criteria provided, single submitter. Criteria: ICSL Variant Classification Criteria 09 May 2019. Collection method: clinical testing. Allele origin: germline.
Comment: The FANCI c.3041G>A (p.Cys1014Tyr) missense variant has been reported in three studies in which it is found in a total of six individuals including in three with Fanconi anemia, one in a homozygous state and two in a compound heterozygous state with a second null allele. One of the compound heterozygous individuals was also diagnosed with the VACTERL phenotype. The p.Cys1014Tyr variant was also reported in a heterozygous state in three individuals, one with breast cancer and two with prostate cancer (Ameziane et al. 2012; Mantere et al. 2015; Savage et al. 2016). The p.Cys1014Tyr variant was reported in four of 1365 controls in a heterozygous state and is reported at a frequency of 0.000853 in the European (Finnish) population of the Genome Aggregation Database. Based on the evidence, the p.Cys1014Tyr variant is classified as likely pathogenic for Fanconi anemia. This variant was observed by ICSL as part of a predisposition screen in an ostensibly healthy population.

Literature cited by the submitters: PubMed 22720145 (cited by 3 submitters); PubMed 24989076 (cited by 3 submitters); PubMed 26590883 (cited by 3 submitters); PubMed 32054657 (cited by Variantyx, Inc. and Labcorp Genetics (formerly Invitae), Labcorp); PubMed 17412408 (cited by Variantyx, Inc.).

NM_001113378.2(FANCI):c.3041G>A (p.Cys1014Tyr)

Gene: FANCI (FA complementation group I; plus strand). Cytogenetic location: 15q26.1.
Variant type: single nucleotide variant.
Coding change: c.3041G>A on transcript NM_001113378.2 (MANE Select); coding-DNA position 3041, G replaced by A.
Protein change: p.Cys1014Tyr; replaces cysteine 1014 with tyrosine.
Molecular consequence: missense variant.
Genome position (GRCh38, 1-based): chr15:89,303,898, G>A. VCF-style: chr15-89303898-G-A. GRCh37 (hg19) VCF-style: chr15-89847129-G-A.
Other names: c.2762G>A, p.Cys921Tyr (NM_001376910.1); c.3041G>A, p.Cys1014Tyr (NM_001376911.1); c.2861G>A, p.Cys954Tyr (NM_018193.3); short protein forms C1014Y, C954Y, C921Y.
Identifiers: ClinVar variation 631744 (VCV000631744.17), dbSNP rs140404896, ClinGen allele CA7723562.